The following is an entry in ClinVar:

NM_001286581.2(PHRF1):c.1938G>C (p.Ala646=)

Gene: PHRF1 (PHD and ring finger domains 1; plus strand). Cytogenetic location: 11p15.5.
Variant type: single nucleotide variant.
Coding change: c.1938G>C on transcript NM_001286581.2 (MANE Select); coding-DNA position 1938, G replaced by C.
Protein change: p.Ala646=; no amino-acid change (alanine 646 retained).
Molecular consequence: synonymous variant.
Genome position (GRCh38, 1-based): chr11:607,394, G>C. VCF-style: chr11-607394-G-C. GRCh37 (hg19) VCF-style: chr11-607394-G-C.
Other names: NC_000011.9:g.607394G>C; c.1932G>C, p.Ala644= (NM_001286582.2); c.1926G>C, p.Ala642= (NM_001286583.2); c.1935G>C, p.Ala645= (NM_020901.4).
Identifiers: ClinVar variation 2641077 (VCV002641077.25), dbSNP rs138408584, ClinGen allele CA5782365.

ClinVar aggregate classification (germline): Likely benign (1 of 4 stars; one submission).

Allele frequency attached by ClinVar (database versions not stated): 1000 Genomes Project 30x 0.00109; 1000 Genomes Project 0.00120; ESP Exome Variant Server 0.00330.
gnomAD v4.1: 4,643 of 1,612,806 alleles (0.29%); highest among the groups gnomAD compares: Middle Eastern, 2.7%; 39 homozygotes.

Submissions (5):

CeGaT Center for Human Genetics Tuebingen
Classification: Likely benign. Last evaluated: 2022-12-01. Review status: criteria provided, single submitter. Criteria: CeGaT Center For Human Genetics Tuebingen Variant Classification Criteria Version 2. Collection method: clinical testing. Allele origin: germline. Affected: yes. Observed: 2 variant alleles.
Comment: PHRF1: BP4, BP7, BS2

Dr. Peter K. Rogan Lab, Western University
No classification provided (evidence only). Condition: Clear cell carcinoma of kidney. Review status: no classification provided. Collection method: in vitro. Allele origin: not applicable. Functional consequence: retained intron. Not counted in ClinVar's aggregate classification.

Dr. Peter K. Rogan Lab, Western University
No classification provided (evidence only). Condition: Thyroid cancer, nonmedullary, 1. Review status: no classification provided. Collection method: in vitro. Allele origin: not applicable. Functional consequence: retained intron. Not counted in ClinVar's aggregate classification.

Dr. Peter K. Rogan Lab, Western University
No classification provided (evidence only). Condition: Cervical cancer. Review status: no classification provided. Collection method: in vitro. Allele origin: not applicable. Functional consequence: retained intron. Not counted in ClinVar's aggregate classification.

Dr. Peter K. Rogan Lab, Western University
No classification provided (evidence only). Condition: Sarcoma. Review status: no classification provided. Collection method: in vitro. Allele origin: not applicable. Functional consequence: retained intron. Not counted in ClinVar's aggregate classification.